The following is an entry in ClinVar:

ClinVar aggregate classification (germline): Conflicting classifications of pathogenicity. Review status: criteria provided, conflicting classifications (1 of 4 stars). 3 submissions from 3 submitters: Uncertain significance (1); Benign (1); Likely benign (1). Last evaluated 2024-10-20.

Conditions:
Hyperinsulinemic hypoglycemia. Also called: Hyperinsulinemia hypoglycemia; Hyperinsulinemic hypoglycemia (disease). Identifiers: Orphanet 443095, MedGen C1864903, MONDO:0005803, HP:0000825.
Deficiency of 3-hydroxyacyl-CoA dehydrogenase. Also called: 3-hydroxyacyl-CoA dehydrogenase deficiency; HADH DEFICIENCY. Identifiers: Orphanet 309127, Orphanet 71212, MedGen C1291230, MONDO:0017715, OMIM 231530.

Allele frequency attached by ClinVar (database versions not stated): ExAC 0.00001; gnomAD exomes 0.00001 and 0.00004; TOPMed 0.00001; gnomAD 0.00003; ESP Exome Variant Server 0.00008.
gnomAD v4.1: 56 of 1,613,982 alleles (0.0035%); highest among the groups gnomAD compares: Non-Finnish European, 0.0047%; no homozygotes.

Submissions (3):

Labcorp Genetics (formerly Invitae), Labcorp
Classification: Likely benign for Deficiency of 3-hydroxyacyl-CoA dehydrogenase. Last evaluated: 2024-10-20. Review status: criteria provided, single submitter. Criteria: Invitae Variant Classification Sherloc (09022015). Collection method: clinical testing. Allele origin: germline.

Eurofins Ntd Llc (ga)
Classification: Uncertain significance. Last evaluated: 2014-11-15. Review status: criteria provided, single submitter. Criteria: EGL Classification Definitions 2015. Collection method: clinical testing. Allele origin: germline. Observed: 1 variant allele, 1 heterozygote.

Clinical Genomics, Uppaluri K&H Personalized Medicine Clinic
Classification: Benign for Hyperinsulinemic hypoglycemia. Review status: criteria provided, single submitter. Criteria: K & H Uppaluri Personalized Medicine Clinic Variant Classification & Assertion Criteria_Updated V.1. Collection method: research. Allele origin: unknown. Inheritance: Autosomal recessive inheritance.
Comment: Potent mutations in HADH gene are associated with congenital hyperinsulinism, which leads to recurrent hypoglycemia. The condition is exacerbated by stress, fasting or excessive dietary protein. May respond well to diazoxide. However, the role of this particular variant rs377521547 in congenital hyperinsulinism is yet to be ascertained.

Literature cited by the submitters: PubMed 34547194 (cited by Clinical Genomics, Uppaluri K&H Personalized Medicine Clinic); PubMed 34055426 (cited by Clinical Genomics, Uppaluri K&H Personalized Medicine Clinic); PubMed 29280746 (cited by Clinical Genomics, Uppaluri K&H Personalized Medicine Clinic).

NM_005327.7(HADH):c.486A>G (p.Arg162=)

Gene: HADH (hydroxyacyl-CoA dehydrogenase; plus strand). Cytogenetic location: 4q25.
Variant type: single nucleotide variant.
Coding change: c.486A>G on transcript NM_005327.7 (MANE Select); coding-DNA position 486, A replaced by G.
Protein change: p.Arg162=; no amino-acid change (arginine 162 retained).
Molecular consequence: synonymous variant.
Genome position (GRCh38, 1-based): chr4:108,019,606, A>G. VCF-style: chr4-108019606-A-G. GRCh37 (hg19) VCF-style: chr4-108940762-A-G.
Other names: c.486A>G, p.Arg162= (NM_001184705.4); c.498A>G, p.Arg166= (NM_001331027.2).
Identifiers: ClinVar variation 197252 (VCV000197252.9), dbSNP rs377521547, ClinGen allele CA245275.